The following is an entry in ClinVar:

ClinVar aggregate classification (germline): Benign. Review status: criteria provided, multiple submitters, no conflicts (2 of 4 stars). 10 submissions from 10 submitters: Benign (7). 3 of the submissions do not count toward it. Last evaluated 2026-05-08.

Allele frequency attached by ClinVar (database versions not stated): gnomAD 0.14832; ESP Exome Variant Server 0.15464; TOPMed 0.16079; 1000 Genomes Project 0.16913; 1000 Genomes Project 30x 0.17489.
gnomAD v4.1: 140,539 of 1,571,590 alleles (8.9%); highest among the groups gnomAD compares: African/African-American, 32%; 9,005 homozygotes.

Submissions (10):

Women's Health and Genetics/Laboratory Corporation of America, LabCorp
Classification: Benign. Last evaluated: 2026-05-08. Review status: criteria provided, single submitter. Criteria: LabCorp Variant Classification Summary - May 2015. Collection method: clinical testing. Allele origin: germline.

Labcorp Genetics (formerly Invitae), Labcorp
Classification: Benign. Last evaluated: 2026-02-03. Review status: criteria provided, single submitter. Criteria: Invitae Variant Classification Sherloc (09022015). Collection method: clinical testing. Allele origin: germline.

Blueprint Genetics
Classification: Benign. Last evaluated: 2024-11-28. Review status: criteria provided, single submitter. Criteria: ACMG Guidelines, 2015. Collection method: clinical testing. Allele origin: germline.

Mayo Clinic Laboratories, Mayo Clinic
Classification: Benign. Last evaluated: 2020-10-02. Review status: criteria provided, single submitter. Criteria: ACMG Guidelines, 2015. Collection method: clinical testing. Allele origin: germline. Observed: 25 variant alleles.

GeneDx
Classification: Benign. Last evaluated: 2017-06-15. Review status: criteria provided, single submitter. Criteria: GeneDx Variant Classification (06012015). Collection method: clinical testing. Allele origin: germline. Affected: yes.
Comment: This variant is considered likely benign or benign based on one or more of the following criteria: it is a conservative change, it occurs at a poorly conserved position in the protein, it is predicted to be benign by multiple in silico algorithms, and/or has population frequency not consistent with disease.

Breakthrough Genomics
Classification: Benign. Review status: criteria provided, single submitter. Criteria: ACMG Guidelines, 2015. Collection method: not provided. Allele origin: germline. Inheritance: Autosomal recessive inheritance. Affected: yes.

PreventionGenetics, part of Exact Sciences
Classification: Benign. Review status: criteria provided, single submitter. Criteria: ACMG Guidelines, 2015. Collection method: clinical testing. Allele origin: germline.

Diagnostic Laboratory, Department of Genetics, University Medical Center Groningen
Classification: Benign. Review status: no assertion criteria provided. Collection method: clinical testing. Allele origin: germline. Affected: yes. Study: VKGL Data-share Consensus. Not counted in ClinVar's aggregate classification.

Genome Diagnostics Laboratory, Amsterdam University Medical Center
Classification: Benign. Review status: no assertion criteria provided. Collection method: clinical testing. Allele origin: germline. Affected: yes. Study: VKGL Data-share Consensus. Not counted in ClinVar's aggregate classification.

Joint Genome Diagnostic Labs from Nijmegen and Maastricht, Radboudumc and MUMC+
Classification: Benign. Review status: no assertion criteria provided. Collection method: clinical testing. Allele origin: germline. Affected: yes. Study: VKGL Data-share Consensus. Not counted in ClinVar's aggregate classification.

NM_001853.4(COL9A3):c.2044C>A (p.Arg682=)

Gene: COL9A3 (collagen type IX alpha 3 chain; plus strand). Cytogenetic location: 20q13.33.
Variant type: single nucleotide variant.
Coding change: c.2044C>A on transcript NM_001853.4 (MANE Select); coding-DNA position 2044, C replaced by A.
Protein change: p.Arg682=; no amino-acid change (arginine 682 retained).
Molecular consequence: synonymous variant.
Genome position (GRCh38, 1-based): chr20:62,840,721, C>A. VCF-style: chr20-62840721-C-A. GRCh37 (hg19) VCF-style: chr20-61472073-C-A.
Other names: p.Arg682=; c.2044C>A, p.Arg682= (LRG_1253t1).
Identifiers: ClinVar variation 258420 (VCV000258420.20), dbSNP rs1048100, ClinGen allele CA9950294.